The following is an entry in ClinVar:

NM_001195272.2(TEX13C):c.1545G>T (p.Leu515=)

Gene: TEX13C (TEX13 family member C; plus strand). Cytogenetic location: Xq25.
Variant type: single nucleotide variant.
Coding change: c.1545G>T on transcript NM_001195272.2 (MANE Select); coding-DNA position 1545, G replaced by T.
Protein change: p.Leu515=; no amino-acid change (leucine 515 retained).
Molecular consequence: synonymous variant.
Genome position (GRCh38, 1-based): chrX:125,321,664, G>T. VCF-style: chrX-125321664-G-T. GRCh37 (hg19) VCF-style: chrX-124455513-G-T.
Identifiers: ClinVar variation 2661376 (VCV002661376.24), dbSNP rs780712762, ClinGen allele CA10510605.

ClinVar aggregate classification (germline): Likely benign (1 of 4 stars; one submission).

Allele frequency attached by ClinVar (database versions not stated): gnomAD 0.00044.

Submission:

CeGaT Center for Human Genetics Tuebingen
Classification: Likely benign. Last evaluated: 2024-01-01. Review status: criteria provided, single submitter. Criteria: CeGaT Center For Human Genetics Tuebingen Variant Classification Criteria Version 2. Collection method: clinical testing. Allele origin: germline. Affected: yes. Observed: 7 variant alleles.
Comment: TEX13C: BS2